The following is an entry in ClinVar:

NM_004588.5(SCN2B):c.452C>A (p.Pro151His)

Gene: SCN2B (sodium voltage-gated channel beta subunit 2; minus strand). Cytogenetic location: 11q23.3.
Variant type: single nucleotide variant.
Coding change: c.452C>A on transcript NM_004588.5 (MANE Select); coding-DNA position 452, C replaced by A.
Protein change: p.Pro151His; replaces proline 151 with histidine.
Molecular consequence: missense variant.
Genome position (GRCh38, 1-based): chr11:118,167,083, G>T on the plus strand (C>A on the coding strand, the complement: SCN2B is on the minus strand). VCF-style: chr11-118167083-G-T. GRCh37 (hg19) VCF-style: chr11-118037798-G-T.
Other names: short protein forms P151H.
Identifiers: ClinVar variation 1439728 (VCV001439728.11), dbSNP rs765701955, ClinGen allele CA382784088.
Genomic context (GRCh38, chr11:118,167,083, plus strand): 5'-GCCAGGAAGCCCCCGACGGAGGCACCCACAATCACGGCCACCGTGGAGTCCCGCTCAGGG[G>T]GCTCTGGAAAGGAAGCAGAGCCACTGAGCACCAGGGCTGGGAAAGGGGCCTCCCCCATCA-3'
Protein context (NP_004579.1, residues 141-161): KIHLQVLMEE[Pro151His]PERDSTVAVI

ClinVar aggregate classification (germline): Uncertain significance. Review status: criteria provided, multiple submitters, no conflicts (2 of 4 stars). 5 submissions from 5 submitters: Uncertain significance (5). Last evaluated 2026-01-06.

Conditions:
Atrial fibrillation, familial, 14 (ATFB14). Identifiers: MedGen C3809312, MONDO:0014156, OMIM 615378.
Cardiovascular phenotype. Identifiers: MedGen CN230736.

Submissions (5):

Institute of Immunology and Genetics Kaiserslautern
Classification: Uncertain significance for Atrial fibrillation, familial, 14. Last evaluated: 2026-01-06. Review status: criteria provided, single submitter. Criteria: ACMG Guidelines, 2015. Collection method: clinical testing. Allele origin: germline. Affected: yes.
Comment: ACMG Criteria: PM2_P, PP3; Variant was found in heterozygous state.

Labcorp Genetics (formerly Invitae), Labcorp
Classification: Uncertain significance for Atrial fibrillation, familial, 14. Last evaluated: 2024-09-11. Review status: criteria provided, single submitter. Criteria: Invitae Variant Classification Sherloc (09022015). Collection method: clinical testing. Allele origin: germline.
Comment: This sequence change replaces proline, which is neutral and non-polar, with histidine, which is basic and polar, at codon 151 of the SCN2B protein (p.Pro151His). This variant is present in population databases (no rsID available, gnomAD 0.007%). This variant has not been reported in the literature in individuals affected with SCN2B-related conditions. ClinVar contains an entry for this variant (Variation ID: 1439728). An algorithm developed to predict the effect of missense changes on protein structure and function (PolyPhen-2) suggests that this variant is likely to be disruptive. In summary, the available evidence is currently insufficient to determine the role of this variant in disease. Therefore, it has been classified as a Variant of Uncertain Significance.

Ambry Genetics
Classification: Uncertain significance for Cardiovascular phenotype. Last evaluated: 2023-12-25. Review status: criteria provided, single submitter. Criteria: Ambry Variant Classification Scheme 2023. Collection method: clinical testing. Allele origin: germline.
Comment: The p.P151H variant (also known as c.452C>A), located in coding exon 4 of the SCN2B gene, results from a C to A substitution at nucleotide position 452. The proline at codon 151 is replaced by histidine, an amino acid with similar properties. This amino acid position is highly conserved in available vertebrate species. In addition, this alteration is predicted to be deleterious by in silico analysis. Since supporting evidence is limited at this time, the clinical significance of this alteration remains unclear.

Clinical Genomics Laboratory, Stanford Medicine
Classification: Uncertain significance. Last evaluated: 2021-09-16. Review status: criteria provided, single submitter. Criteria: ACMG Guidelines, 2015. Collection method: clinical testing. Allele origin: germline. Observed: 1 variant allele, 1 heterozygote.
Comment: The p.Pro151His variant in the SCN2B gene has not been previously reported in association with disease. This variant has been identified in 1/152,196 chromosomes by the Genome Aggregation Database. The proline at position 151 is evolutionarily conserved. Computational tools predict that the p.Pro151His variant is deleterious; however, the accuracy of in silico algorithms is limited. These data were assessed using the ACMG/AMP variant interpretation guidelines. In summary, the significance of the p.Pro151His variant is uncertain. Additional information is needed to resolve the significance of this variant. [ACMG evidence codes used: PM2; PP3]

Fulgent Genetics
Classification: Uncertain significance for Atrial fibrillation, familial, 14. Last evaluated: 2021-09-01. Review status: criteria provided, single submitter. Criteria: ACMG Guidelines, 2015. Collection method: clinical testing. Allele origin: unknown.